The following is an entry in ClinVar:

ClinVar aggregate classification (germline): Likely pathogenic. Review status: criteria provided, multiple submitters, no conflicts (2 of 4 stars). 2 submissions from 2 submitters: Likely pathogenic (2). Last evaluated 2023-02-03.

Conditions:
Miyoshi muscular dystrophy 1 (MMD1). Identifiers: Orphanet 45448, MedGen C4551973, MONDO:0024545, OMIM 254130.
Autosomal recessive limb-girdle muscular dystrophy type 2B (LGMDR2). Also called: Limb-Girdle Muscular Dystrophy Type 2B (LGMD2B); Limb-girdle muscular dystrophy, type 2B; MUSCULAR DYSTROPHY, LIMB-GIRDLE, TYPE 3; MUSCULAR DYSTROPHY, LIMB-GIRDLE, AUTOSOMAL RECESSIVE 2. Identifiers: Orphanet 268, MedGen C1850889, MONDO:0009676, OMIM 253601.

Submissions (2):

Baylor Genetics
Classification: Likely pathogenic for Miyoshi muscular dystrophy 1. Last evaluated: 2023-02-03. Review status: criteria provided, single submitter. Criteria: ACMG Guidelines, 2015. Collection method: clinical testing. Allele origin: unknown.

Neuberg Centre For Genomic Medicine, NCGM
Classification: Likely pathogenic for Autosomal recessive limb-girdle muscular dystrophy type 2B. Review status: criteria provided, single submitter. Criteria: ACMG Guidelines, 2015. Collection method: clinical testing. Allele origin: germline. Inheritance: Autosomal recessive inheritance. Affected: yes.
Comment: The frame shift c.5265_5280del (p.Tyr1755Ter) variant in DYSF gene has not been reported previously as a pathogenic variant nor as a benign variant, to our knowledge. The p.Tyr1755Ter variant is novel (not in any individuals) in gnomAD Exomes and is novel (not in any individuals) in 1000 Genomes. This variant is predicted to cause loss of normal protein function through protein truncation. Loss of function variants have been previously reported to be disease causing. For these reasons, this variant has been classified as Likely Pathogenic.

NM_001130987.2(DYSF):c.5265_5280del (p.Val1754_Tyr1755insTer)

Gene: DYSF (dysferlin; plus strand). Cytogenetic location: 2p13.2.
Variant type: Deletion.
Coding change: c.5265_5280del on transcript NM_001130987.2 (MANE Select); coding-DNA positions 5265 to 5280, 16 bases deleted (CCGGACAGACCGTGTA).
Protein change: p.Val1754_Tyr1755insTer.
Molecular consequence: nonsense.
Genome position (GRCh38, 1-based): chr2:71,665,252-71,665,267, CCGGACAGACCGTGTA deleted; deleting any 16 consecutive bases within chr2:71,665,247-71,665,267 gives the same sequence; the c. name uses the placement nearest the transcript's 3' end. VCF-style (leftmost placement, unchanged base first): chr2-71665246-TGTGTACCGGACAGACC-T. GRCh37 (hg19) VCF-style: chr2-71892376-TGTGTACCGGACAGACC-T.
Other names: c.5151_5166del, p.Val1716_Tyr1717insTer (NM_001130455.2); c.5106_5121del, p.Val1701_Tyr1702insTer (NM_001130976.2); c.5169_5184del, p.Val1722_Tyr1723insTer (NM_001130977.2); c.5211_5226del, p.Val1736_Tyr1737insTer (NM_001130978.2); c.5241_5256del, p.Val1746_Tyr1747insTer (NM_001130979.2); c.5199_5214del, p.Val1732_Tyr1733insTer (NM_001130980.2); c.5262_5277del, p.Val1753_Tyr1754insTer (NM_001130981.2); c.5244_5259del, p.Val1747_Tyr1748insTer (NM_001130982.2); and 5 more.
Identifiers: ClinVar variation 2585565 (VCV002585565.2), dbSNP rs2546547503, ClinGen allele CA2582342400.